The following is an entry in ClinVar:

NM_000350.3(ABCA4):c.6386+1G>A

Gene: ABCA4 (ATP binding cassette subfamily A member 4; minus strand). Cytogenetic location: 1p22.1.
Variant type: single nucleotide variant.
Coding change: c.6386+1G>A on transcript NM_000350.3 (MANE Select); the canonical splice donor site of the intron after coding-DNA position 6386, G replaced by A.
Molecular consequence: splice donor variant.
Genome position (GRCh38, 1-based): chr1:94,001,001, C>T on the plus strand (G>A on the coding strand, the complement: ABCA4 is on the minus strand). VCF-style: chr1-94001001-C-T. GRCh37 (hg19) VCF-style: chr1-94466557-C-T.
Identifiers: ClinVar variation 635989 (VCV000635989.16), dbSNP rs745654673, ClinGen allele CA956891.

ClinVar aggregate classification (germline): Pathogenic. Review status: criteria provided, multiple submitters, no conflicts (2 of 4 stars). 6 submissions from 6 submitters: Pathogenic (5). 1 of the submissions does not count toward it. Last evaluated 2026-01-02.

Conditions:
Retinal disorder. Also called: Retinopathy; Retinopathies; Retinal Diseases; Retinal disorders. Identifiers: MedGen C0035309, MONDO:0005283, HP:0000488.
ABCA4-related disorder. Also called: ABCA4-related disorders; ABCA4-related condition. Identifiers: MedGen CN239167.
Retinal dystrophy. Also called: Inherited retinal dystrophy. Identifiers: Orphanet 71862, MedGen C0854723, MeSH D058499, MONDO:0019118, HP:0000556.

Allele frequency attached by ClinVar (database versions not stated): gnomAD exomes below 0.00001; ExAC 0.00001.
gnomAD v4.1: 7 of 1,614,128 alleles (0.00043%); highest among the groups gnomAD compares: Non-Finnish European, 0.00051%; no homozygotes.

Submissions (6):

Labcorp Genetics (formerly Invitae), Labcorp
Classification: Pathogenic. Last evaluated: 2026-01-02. Review status: criteria provided, single submitter. Criteria: Invitae Variant Classification Sherloc (09022015). Collection method: clinical testing. Allele origin: germline.
Comment: This sequence change affects a donor splice site in intron 46 of the ABCA4 gene. It is expected to disrupt RNA splicing. Variants that disrupt the donor or acceptor splice site typically lead to a loss of protein function (PMID: 16199547), and loss-of-function variants in ABCA4 are known to be pathogenic (PMID: 10958761, 24938718, 25312043, 26780318). This variant is present in population databases (rs745654673, gnomAD 0.01%). Disruption of this splice site has been observed in individuals with ABCA4-associated retinal disease (PMID: 22229821, 24713488). It has also been observed to segregate with disease in related individuals. ClinVar contains an entry for this variant (Variation ID: 635989). Algorithms developed to predict the effect of sequence changes on RNA splicing suggest that this variant may disrupt the consensus splice site. For these reasons, this variant has been classified as Pathogenic.

Genetics Laboratory, Great Ormond Street Hospital NHS Foundation Trust, North Thames Genomic Laboratory Hub
Classification: Pathogenic for Retinal disorders. Last evaluated: 2025-08-14. Review status: criteria provided, single submitter. Criteria: ACGS Best Practice Guidelines for Variant Classification in Rare Disease 2024 v1.2. Collection method: clinical testing. Allele origin: germline. Affected: yes.
Comment: PM2_moderate, PVS1_very-strong, PM3_strong

Blueprint Genetics
Classification: Pathogenic for ABCA4-related disorders. Last evaluated: 2021-10-12. Review status: criteria provided, single submitter. Criteria: ACMG Guidelines, 2015. Collection method: clinical testing. Allele origin: germline. Affected: yes. Observed: 2 variant alleles.

Genetics and Molecular Pathology, SA Pathology
Classification: Pathogenic for Retinal dystrophy. Last evaluated: 2021-02-24. Review status: criteria provided, single submitter. Criteria: ACMG Guidelines, 2015. Collection method: clinical testing. Allele origin: germline. Affected: yes.

Institute of Human Genetics, Univ. Regensburg, Univ. Regensburg
Classification: Pathogenic for Retinal dystrophy. Last evaluated: 2019-01-01. Review status: criteria provided, single submitter. Criteria: ACMG Guidelines, 2015. Collection method: clinical testing. Allele origin: germline. Affected: yes.

Department of Clinical Genetics, Copenhagen University Hospital, Rigshospitalet
Classification: Likely pathogenic for Retinal dystrophy. Last evaluated: 2018-04-01. Review status: no assertion criteria provided. Collection method: research. Allele origin: unknown. Affected: yes. Study: VeluxRD. Not counted in ClinVar's aggregate classification.

Literature cited by the submitters: PubMed 16199547 (cited by Labcorp Genetics (formerly Invitae), Labcorp); PubMed 10958761 (cited by Labcorp Genetics (formerly Invitae), Labcorp); PubMed 24938718 (cited by Labcorp Genetics (formerly Invitae), Labcorp); PubMed 25312043 (cited by Labcorp Genetics (formerly Invitae), Labcorp); PubMed 26780318 (cited by Labcorp Genetics (formerly Invitae), Labcorp); PubMed 22229821 (cited by Labcorp Genetics (formerly Invitae), Labcorp and Institute of Human Genetics, Univ. Regensburg, Univ. Regensburg); PubMed 24713488 (cited by Labcorp Genetics (formerly Invitae), Labcorp and Institute of Human Genetics, Univ. Regensburg, Univ. Regensburg); PubMed 30718709 (cited by Institute of Human Genetics, Univ. Regensburg, Univ. Regensburg and Department of Clinical Genetics, Copenhagen University Hospital, Rigshospitalet).